The following is an entry in ClinVar:

NM_012463.4(ATP6V0A2):c.1764C>T (p.Ile588=)

Genes: ATP6V0A2 (ATPase H+ transporting V0 subunit a2; plus strand), LOC126861666 (CDK7 strongly-dependent group 2 enhancer GRCh37_chr12:124232793-124233992; plus strand). Cytogenetic location: 12q24.31.
Variant type: single nucleotide variant.
Coding change: c.1764C>T on transcript NM_012463.4 (MANE Select); coding-DNA position 1764, C replaced by T.
Protein change: p.Ile588=; no amino-acid change (isoleucine 588 retained).
Molecular consequence: synonymous variant.
Genome position (GRCh38, 1-based): chr12:123,748,614, C>T. VCF-style: chr12-123748614-C-T. GRCh37 (hg19) VCF-style: chr12-124233161-C-T.
Identifiers: ClinVar variation 3030254 (VCV003030254.2), dbSNP rs2541868632, ClinGen allele CA482271150.
Genomic context (GRCh38, chr12:123,748,614, plus strand): 5'-TTGATTCCTTTTCTTTCCTAGGCACTTCAGGAAGAAGTTCAACATTTACCTGGTTTCCAT[C>T]CCGGAACTTCTCTTCATGCTCTGTATCTTTGGATACCTTATATTTATGATTTTCTACAAG-3'
Protein context (NP_036595.2, residues 578-598): RKKFNIYLVS[Ile588=]PELLFMLCIF

ClinVar aggregate classification (germline): Likely benign (0 of 4 stars; one submission).

Conditions:
ATP6V0A2-related disorder. Also called: ATP6V0A2-related condition.

Submission:

PreventionGenetics, part of Exact Sciences
Classification: Likely benign for ATP6V0A2-related condition. Last evaluated: 2024-01-30. Review status: no assertion criteria provided. Collection method: clinical testing. Allele origin: germline.
Comment: This variant is classified as likely benign based on ACMG/AMP sequence variant interpretation guidelines (Richards et al. 2015 PMID: 25741868, with internal and published modifications).